The following is an entry in ClinVar:

ClinVar aggregate classification (germline): Likely benign (1 of 4 stars; one submission).

gnomAD v4.1: 68 of 152,264 alleles (0.045%); highest among the groups gnomAD compares: Non-Finnish European, 0.072%; no homozygotes.

Submission:

CeGaT Center for Human Genetics Tuebingen
Classification: Likely benign. Last evaluated: 2026-06-01. Review status: criteria provided, single submitter. Criteria: CeGaT Center For Human Genetics Tuebingen Variant Classification Criteria Version 2. Collection method: clinical testing. Allele origin: germline. Affected: yes. Observed: 1 variant allele.
Comment: GRIN2D: BP4

NM_000836.4(GRIN2D):c.-305-16G>A

Genes: GRIN2D (glutamate ionotropic receptor NMDA type subunit 2D; plus strand), KDELR1 (KDEL endoplasmic reticulum protein retention receptor 1; minus strand). Cytogenetic location: 19q13.33.
Variant type: single nucleotide variant.
Coding change: c.-305-16G>A on transcript NM_000836.4 (MANE Select); 16 bases into the intron before 305 bases upstream of the start codon, G replaced by A.
Molecular consequence: intron variant.
Genome position (GRCh38, 1-based): chr19:48,394,642, G>A. VCF-style: chr19-48394642-G-A. GRCh37 (hg19) VCF-style: chr19-48897899-G-A.
Identifiers: ClinVar variation 4872277 (VCV004872277.2).